The following continues an entry in ClinVar:

NM_000258.3(MYL3):c.170C>A (p.Ala57Asp)

Gene: MYL3. ClinVar aggregate classification (germline): Uncertain significance. Uncertain significance (1).

Submissions 9 to 23 of 23:

3billion
Classification: Uncertain significance for Hypertrophic cardiomyopathy 8. Last evaluated: 2023-08-11. Review status: criteria provided, single submitter. Criteria: ACMG Guidelines, 2015. Collection method: clinical testing. Allele origin: germline. Affected: yes. Not counted in ClinVar's aggregate classification.
Comment: The variant is observed at an extremely low frequency in the gnomAD v2.1.1 dataset (total allele frequency: 0.016%). Predicted Consequence/Location: Missense variant In silico tool predictions suggest damaging effect of the variant on gene or gene product [REVEL: 0.89 (>=0.6, sensitivity 0.68 and specificity 0.92); 3Cnet: 0.93 (>=0.6, sensitivity 0.72 and precision 0.9)]. A different missense change at the same codon (p.Ala57Gly) has been reported to be associated with MYL3 related disorder (PMID: 11174330). The same homozygous variantwas reported in a family with hypertrophic cardiomyopathy (PMID: 33288880). Therefore, this variant is classified as VUS according to the recommendation of ACMG/AMP guideline.

Clinical Genetics Laboratory, Skane University Hospital Lund
Classification: Uncertain significance. Last evaluated: 2023-06-27. Review status: criteria provided, single submitter. Criteria: ACMG Guidelines, 2015. Collection method: clinical testing. Allele origin: germline. Affected: yes. Not counted in ClinVar's aggregate classification.

GeneDx
Classification: Uncertain significance. Last evaluated: 2023-05-03. Review status: criteria provided, single submitter. Criteria: GeneDx Variant Classification Process June 2021. Collection method: clinical testing. Allele origin: germline. Affected: yes. Not counted in ClinVar's aggregate classification.
Comment: In silico analysis supports that this missense variant has a deleterious effect on protein structure/function; Functional studies using human induced pluripotent stem cell (iPSC) lines demonstrated that p.(A57D) expressed in the heterozygous and homozygous state did not produce an HCM phenotype (PMID: 29914921); This variant is associated with the following publications: (PMID: 29687901, 24111713, 27483260, 21239446, 27574918, 28971120, 28518168, 29914921, 30624779, 31006259, 23426552, 31019283, 33288880, 34636345, 34509299, 34137518, 33935716, 29710196, 26779504, 29343803, 35653365)

Laboratory for Molecular Medicine, Mass General Brigham Personalized Medicine
Classification: Uncertain significance for Hypertrophic cardiomyopathy. Last evaluated: 2022-06-23. Review status: criteria provided, single submitter. Criteria: ACMG Guidelines, 2015. Collection method: clinical testing. Allele origin: germline. Not counted in ClinVar's aggregate classification.
Comment: The p.Ala57Asp variant in MYL3 has been reported in heterozygous state in at least 4 individuals with hypertrophic cardiomyopathy (Fokstuen 2011 PMID: 21239446, Almaas 2013 PMID: 23426552, Berge 2014 PMID: 24111713, Norrish 2019 PMID: 31006259, LMM data); two of these individuals were heterozygous for pathogenic variants in another gene. This variant has been identified in homozygous state in at least 2 individuals with cardiomyopathy (Osborn 2021 PMID: 33288880, LMM data). It has also been identified in 0.06% (17/30616) of South Asian chromosomes by gnomAD. This variant has also been reported in ClinVar (Variation ID 43121). Computational prediction tools and conservation analyses suggest that this variant may impact the protein, though this information is not predictive enough to determine pathogenicity. In vitro functional studies provide conflicting evidence regarding the impact of this variant on protein function (Ma 2018 PMID: 29914921 , Osborn 2021 PMID: 33288880); however, these types of assays may not accurately represent biological function. Another variant involving this codon (p.Ala57Gly) has been identified in individuals with hypertrophic cardiomyopathy and is classified as uncertain significance by this laboratory. In summary, the clinical significance of this variant is uncertain. ACMG/AMP Criteria applied: PP3, BP5.

Mayo Clinic Laboratories, Mayo Clinic
Classification: Uncertain significance. Last evaluated: 2022-03-10. Review status: criteria provided, single submitter. Criteria: ACMG Guidelines, 2015. Collection method: clinical testing. Allele origin: germline. Observed: 1 variant allele. Not counted in ClinVar's aggregate classification.
Comment: BS1, PP3

Center for Genomics, Ann and Robert H. Lurie Children's Hospital of Chicago
Classification: Likely pathogenic for Hypertrophic cardiomyopathy 8. Last evaluated: 2021-03-30. Review status: criteria provided, single submitter. Criteria: ACMG Guidelines, 2015. Collection method: clinical testing. Allele origin: germline. Not counted in ClinVar's aggregate classification.
Comment: MYL3 NM_000258.2 exon 3 p.Ala57Asp (c.170C>A): This variant has been reported in the literature in several individuals with HCM (Fokstuen 2011 PMID:21239446, Almaas 2013 PMID:23426552, Berge 2014 PMID:24111713, Jaafar 2015 PMID:26779504, Rubatta 2016 PMID:27483260, Dejgaard 2017 PMID:28971120). This variant is present in 0.05% (17/30616) of South Asian alleles in the Genome Aggregation Database and is present in ClinVar (Variation ID:43121). Please note, disease causing variants may be present in control databases at low frequencies, reflective of the general population, autosomal recessive inheritance carrier status, and/or variable expressivity. Evolutionary conservation and computational predictive tools suggest that this variant may impact the protein. Additionally, another variant at the same amino acid (p.Ala57Gly) has been reported in association with disease. In summary, data on this variant is highly suspicious for disease, but requires further evidence for pathogenicity. Therefore, this variant is classified as likely pathogenic.

CHEO Genetics Diagnostic Laboratory, Children's Hospital of Eastern Ontario
Classification: Uncertain significance for Cardiomyopathy. Last evaluated: 2019-12-03. Review status: criteria provided, single submitter. Criteria: ACMG Guidelines, 2015. Collection method: clinical testing. Allele origin: germline. Study: Canadian Open Genetics Repository. Not counted in ClinVar's aggregate classification.

Equipe Genetique des Anomalies du Developpement, Université de Bourgogne
Classification: Uncertain significance for Hypertrophic cardiomyopathy 8. Last evaluated: 2018-11-21. Review status: criteria provided, single submitter. Criteria: ACMG Guidelines, 2015. Collection method: clinical testing. Allele origin: unknown. Not counted in ClinVar's aggregate classification.

Agnes Ginges Centre for Molecular Cardiology, Centenary Institute
Classification: Likely benign for Hypertrophic cardiomyopathy 8. Last evaluated: 2018-06-19. Review status: criteria provided, single submitter. Criteria: ACMG Guidelines, 2015. Collection method: research. Allele origin: germline. Inheritance: Autosomal dominant inheritance. Affected: yes. Not counted in ClinVar's aggregate classification.
Comment: The MYL3 Ala57Asp has been previously identified in HCM cases (Jaafar N, et al., 2016; Almaas VM, et al., 2013; Vazquez-Alvarez MC, et al., 2012; Fokstuen S et al., 2011; Calore C, et al., 2011; Choi JO, et al., 2010). The cases reported by Vazquez-Alvarez MC, et al. (2012) included a prenatal HCM case, however the patient was also diagnosed with Noonan syndrome. An iPSC-CM model showed that both heterozygous and homozygous cardiac cells did not produce an HCM phenotype (Ma N, et al., 2018). Interestingly a different change at this position (Ala57Gly) has been reported in multiple HCM cases, suggesting that an amino acid substitution at this site may not be tolerated. Computational tools SIFT, PolyPhen2 and MutationTaster predict this variant to have a deleterious effect. The variant is present in the Genome Aggregation Database, at an allele frequency of 0.0001588, which is higher then expected for HCM. The variant has been found to segregate with disease in two homozygous siblings reported by LMM (ClinVar: SCV000208872). In summary, based on the lack of phenotype in iPSC-CM, high allele frequency and non-segregation in affected family members, we classify MYL3 Ala57Asp (in the heterozygous form) as "likely benign".

Illumina Laboratory Services, Illumina
Classification: Uncertain significance for Hypertrophic cardiomyopathy 8. Last evaluated: 2017-04-27. Review status: criteria provided, single submitter. Criteria: ICSL Variant Classification Criteria 13 December 2019. Collection method: clinical testing. Allele origin: germline. Not counted in ClinVar's aggregate classification.
Comment: This variant was observed as part of a predisposition screen in an ostensibly healthy population. A literature search was performed for the gene, cDNA change, and amino acid change (where applicable). Publications were found based on this search. However, the evidence from the literature, in combination with allele frequency data from public databases where available, was not sufficient to rule this variant in or out of causing disease. Therefore, this variant is classified as a variant of unknown significance.

Stanford Center for Inherited Cardiovascular Disease, Stanford University
Classification: Uncertain significance. Last evaluated: 2016-06-29. Review status: criteria provided, single submitter. Criteria: ACMG Guidelines, 2015. Collection method: provider interpretation. Allele origin: germline. Not counted in ClinVar's aggregate classification.

Genomic Diagnostic Laboratory, Division of Genomic Diagnostics, Children's Hospital of Philadelphia
Classification: Uncertain significance for Cardiomyopathy. Last evaluated: 2015-11-30. Review status: criteria provided, single submitter. Criteria: DGD Variant Analysis Guidelines. Collection method: clinical testing. Allele origin: unknown. Not counted in ClinVar's aggregate classification.

Genetics and Genomics Program, Sidra Medicine
Classification: Uncertain significance for Hypertrophic cardiomyopathy. Review status: criteria provided, single submitter. Criteria: ACMG Guidelines, 2015. Collection method: research. Allele origin: unknown. Affected: yes. Observed: 1 variant allele. Not counted in ClinVar's aggregate classification.

PreventionGenetics, part of Exact Sciences
Classification: Uncertain significance for MYL3-related condition. Last evaluated: 2024-03-28. Review status: no assertion criteria provided. Collection method: clinical testing. Allele origin: germline. Not counted in ClinVar's aggregate classification.
Comment: The MYL3 c.170C>A variant is predicted to result in the amino acid substitution p.Ala57Asp. This variant has been reported in multiple individuals with hypertrophic cardiomyopathy (HCM) (Fokstuen et al. 2011. PubMed ID: 21239446; Berge et al. 2014. PubMed ID: 24111713; Almaas et al. 2013. PubMed ID: 23426552; Jaafar et al. 2015. PubMed ID: 26779504; Rubattu et al. 2016. PubMed ID: 27483260; Dejgaard et al. 2017. PubMed ID: 28971120; Table S10, Stava et al. 2022. PubMed ID: 35653365). This variant was also reported in the homozygous state to be associated with autosomal recessive HCM (Osborn et al. 2021. PubMed ID: 33288880). However, some individuals with this variant also carried additional variants in other HCM-related genes that are likely contributing to a HCM phenotype (Berge et al. 2014. PubMed ID: 24111713; Rubattu et al. 2016. PubMed ID: 27483260). Functional studies using human induced pluripotent stem cell derived cardiomyocytes (iPSC-CMs) showed that both heterozygous and homozygous MYL3(170C>A)-iPSC-CMs did not reproduce a HCM phenotype (Ma et al. 2018. PubMed ID: 29914921). However, in another study, this variant failed to rescue the compromised cardiac function in a zebrafish knockdown model (Osborn et al. 2021. PubMed ID: 33288880). This variant is reported in 0.056% of alleles in individuals of South Asian descent in gnomAD. At this time, the clinical significance of this variant is uncertain due to the absence of conclusive functional and genetic evidence.

Zaffran Lab, Genetics of Cardiac Diseases Laboratory, Marseille Medical Genetics
Classification: Uncertain significance for hypertrophic cardiomyopathy. Review status: no assertion criteria provided. Collection method: research. Allele origin: unknown. Affected: yes. Not counted in ClinVar's aggregate classification.

Literature cited by the submitters: PubMed 11174330 (cited by 4 submitters); PubMed 21239446 (cited by 7 submitters); PubMed 23426552 (cited by 7 submitters); PubMed 24111713 (cited by 7 submitters); PubMed 26779504 (cited by Ambry Genetics); PubMed 27483260 (cited by 4 submitters); PubMed 27574918 (cited by 4 submitters); PubMed 28518168 (cited by Ambry Genetics and Laboratory for Molecular Medicine, Mass General Brigham Personalized Medicine); PubMed 29343803 (cited by Ambry Genetics); PubMed 29710196 (cited by Ambry Genetics); PubMed 29914921 (cited by 6 submitters); PubMed 31006259 (cited by Ambry Genetics and Laboratory for Molecular Medicine, Mass General Brigham Personalized Medicine); PubMed 31019283 (cited by Ambry Genetics and Laboratory for Molecular Medicine, Mass General Brigham Personalized Medicine); PubMed 33288880 (cited by 4 submitters); PubMed 37466024 (cited by Ambry Genetics); PubMed 39554508 (cited by Ambry Genetics); PubMed 34137518 (cited by Labcorp Genetics (formerly Invitae), Labcorp and All of Us Research Program, National Institutes of Health); PubMed 36964972 (cited by Labcorp Genetics (formerly Invitae), Labcorp); PubMed 37431535 (cited by Labcorp Genetics (formerly Invitae), Labcorp); PubMed 37652022 (cited by Labcorp Genetics (formerly Invitae), Labcorp); PubMed 20641121 (cited by 3 submitters); PubMed 22131351 (cited by Laboratory for Molecular Medicine, Mass General Brigham Personalized Medicine); PubMed 23748425 (cited by Laboratory for Molecular Medicine, Mass General Brigham Personalized Medicine); PubMed 28971120 (cited by Mayo Clinic Laboratories, Mayo Clinic and Agnes Ginges Centre for Molecular Cardiology, Centenary Institute).